The following is an entry in ClinVar:

NM_001852.4(COL9A2):c.1273G>A (p.Val425Ile)

Gene: COL9A2 (collagen type IX alpha 2 chain; minus strand). Cytogenetic location: 1p34.2.
Variant type: single nucleotide variant.
Coding change: c.1273G>A on transcript NM_001852.4 (MANE Select); coding-DNA position 1273, G replaced by A.
Protein change: p.Val425Ile; replaces valine 425 with isoleucine.
Molecular consequence: missense variant.
Genome position (GRCh38, 1-based): chr1:40,304,334, C>T on the plus strand (G>A on the coding strand, the complement: COL9A2 is on the minus strand). VCF-style: chr1-40304334-C-T. GRCh37 (hg19) VCF-style: chr1-40770006-C-T.
Other names: short protein forms V425I.
Identifiers: ClinVar variation 1306730 (VCV001306730.10), dbSNP rs148912050, ClinGen allele CA791514.
Genomic context (GRCh38, chr1:40,304,334, plus strand): 5'-TGTTATAGGGCCCCTTTCCCAGGTGTTTCCCAGCCCCATCTGGCACCTTGTCTCCTTTGA[C>T]GCCTGGCAAGCCTTGGGGCCCTGGAATTCCGGGGGGGCCCTGCTCCCCCTTAGGGCCCTG-3'
Protein context (NP_001843.1, residues 415-435): GIPGPQGLPG[Val425Ile]KGDKGSPGKT

ClinVar aggregate classification (germline): Uncertain significance. Review status: criteria provided, multiple submitters, no conflicts (2 of 4 stars). 3 submissions from 3 submitters: Uncertain significance (3). Last evaluated 2025-09-09.

Allele frequency attached by ClinVar (database versions not stated): ESP Exome Variant Server 0.00008.
gnomAD v4.1: 14 of 1,565,322 alleles (0.00089%); highest among the groups gnomAD compares: Middle Eastern, 0.017%; no homozygotes.

Submissions (3):

Labcorp Genetics (formerly Invitae), Labcorp
Classification: Uncertain significance. Last evaluated: 2025-09-09. Review status: criteria provided, single submitter. Criteria: Invitae Variant Classification Sherloc (09022015). Collection method: clinical testing. Allele origin: germline.
Comment: This sequence change replaces valine, which is neutral and non-polar, with isoleucine, which is neutral and non-polar, at codon 425 of the COL9A2 protein (p.Val425Ile). The frequency data for this variant in the population databases is considered unreliable, as metrics indicate poor data quality at this position in the gnomAD database. This variant has not been reported in the literature in individuals affected with COL9A2-related conditions. ClinVar contains an entry for this variant (Variation ID: 1306730). Invitae Evidence Modeling of protein sequence and biophysical properties (such as structural, functional, and spatial information, amino acid conservation, physicochemical variation, residue mobility, and thermodynamic stability) indicates that this missense variant is not expected to disrupt COL9A2 protein function with a negative predictive value of 95%. In summary, the available evidence is currently insufficient to determine the role of this variant in disease. Therefore, it has been classified as a Variant of Uncertain Significance.

Blueprint Genetics
Classification: Uncertain significance. Last evaluated: 2021-07-30. Review status: criteria provided, single submitter. Criteria: ACMG Guidelines, 2015. Collection method: clinical testing. Allele origin: germline.

GeneDx
Classification: Uncertain significance. Last evaluated: 2019-07-01. Review status: criteria provided, single submitter. Criteria: GeneDx Variant Classification Process June 2021. Collection method: clinical testing. Allele origin: germline. Affected: yes.
Comment: Has not been previously published as pathogenic or benign to our knowledge; In silico analysis, which includes protein predictors and evolutionary conservation, supports that this variant does not alter protein structure/function